The following is an entry in ClinVar:

ClinVar aggregate classification (germline): Uncertain significance. Review status: criteria provided, multiple submitters, no conflicts (2 of 4 stars). 3 submissions from 3 submitters: Uncertain significance (3). Last evaluated 2024-01-30.

Conditions:
Inborn genetic diseases. Identifiers: MedGen C0950123, MeSH D030342.
Aicardi-Goutieres syndrome 4. Identifiers: Orphanet 51, MedGen C1835912, MONDO:0012472, OMIM 610333.

Allele frequency attached by ClinVar (database versions not stated): gnomAD 0.00001 and 0.00002; gnomAD exomes 0.00001 and 0.00003; TOPMed 0.00001; ExAC 0.00003; 1000 Genomes Project 30x 0.00016; 1000 Genomes Project 0.00020.
gnomAD v4.1: 17 of 1,614,166 alleles (0.0011%); highest among the groups gnomAD compares: South Asian, 0.0066%; 1 homozygote.

Submissions (3):

Ambry Genetics
Classification: Uncertain significance for Inborn genetic diseases. Last evaluated: 2024-01-30. Review status: criteria provided, single submitter. Criteria: Ambry Variant Classification Scheme 2023. Collection method: clinical testing. Allele origin: germline.

Blueprint Genetics
Classification: Uncertain significance. Last evaluated: 2022-09-07. Review status: criteria provided, single submitter. Criteria: ACMG Guidelines, 2015. Collection method: clinical testing. Allele origin: germline.

Labcorp Genetics (formerly Invitae), Labcorp
Classification: Uncertain significance for Aicardi-Goutieres syndrome 4. Last evaluated: 2022-06-13. Review status: criteria provided, single submitter. Criteria: Invitae Variant Classification Sherloc (09022015). Collection method: clinical testing. Allele origin: germline.
Comment: This sequence change replaces alanine, which is neutral and non-polar, with valine, which is neutral and non-polar, at codon 151 of the RNASEH2A protein (p.Ala151Val). This variant is present in population databases (rs369325444, gnomAD 0.01%). This variant has not been reported in the literature in individuals affected with RNASEH2A-related conditions. ClinVar contains an entry for this variant (Variation ID: 1059052). Algorithms developed to predict the effect of missense changes on protein structure and function (SIFT, PolyPhen-2, Align-GVGD) all suggest that this variant is likely to be tolerated. Algorithms developed to predict the effect of sequence changes on RNA splicing suggest that this variant may create or strengthen a splice site. In summary, the available evidence is currently insufficient to determine the role of this variant in disease. Therefore, it has been classified as a Variant of Uncertain Significance.

NM_006397.3(RNASEH2A):c.452C>T (p.Ala151Val)

Gene: RNASEH2A (ribonuclease H2 subunit A; plus strand). Cytogenetic location: 19p13.13.
Variant type: single nucleotide variant.
Coding change: c.452C>T on transcript NM_006397.3 (MANE Select); coding-DNA position 452, C replaced by T.
Protein change: p.Ala151Val; replaces alanine 151 with valine.
Molecular consequence: missense variant.
Genome position (GRCh38, 1-based): chr19:12,810,111, C>T. VCF-style: chr19-12810111-C-T. GRCh37 (hg19) VCF-style: chr19-12920925-C-T.
Other names: c.452C>T (NM_006397.2); short protein forms A151V.
Identifiers: ClinVar variation 1059052 (VCV001059052.6), dbSNP rs369325444, ClinGen allele CA9231906.